The following is an entry in ClinVar:

NM_000075.4(CDK4):c.156C>G (p.Ser52Arg)

Genes: CDK4 (cyclin dependent kinase 4; minus strand), LOC130008148 (ATAC-STARR-seq lymphoblastoid silent region 4588; plus strand). Cytogenetic location: 12q14.1.
Variant type: single nucleotide variant.
Coding change: c.156C>G on transcript NM_000075.4 (MANE Select); coding-DNA position 156, C replaced by G.
Protein change: p.Ser52Arg; replaces serine 52 with arginine.
Molecular consequence: missense variant.
Genome position (GRCh38, 1-based): chr12:57,751,562, G>C on the plus strand (C>G on the coding strand, the complement: CDK4 is on the minus strand). VCF-style: chr12-57751562-G-C. GRCh37 (hg19) VCF-style: chr12-58145345-G-C.
Other names: short protein forms S52R.
Identifiers: ClinVar variation 928861 (VCV000928861.4), dbSNP rs1955237401, ClinGen allele CA385548668.

ClinVar aggregate classification (germline): Uncertain significance. Review status: criteria provided, multiple submitters, no conflicts (2 of 4 stars). 2 submissions from 2 submitters: Uncertain significance (2). Last evaluated 2024-09-25.

Conditions:
Familial melanoma. Also called: Hereditary melanoma; Hereditary cutaneous melanoma. Identifiers: Orphanet 618, MedGen C1512419, MONDO:0018961.

Allele frequency attached by ClinVar (database versions not stated): TOPMed below 0.00001.

Submissions (2):

Labcorp Genetics (formerly Invitae), Labcorp
Classification: Uncertain significance for Familial melanoma. Last evaluated: 2024-09-25. Review status: criteria provided, single submitter. Criteria: Invitae Variant Classification Sherloc (09022015). Collection method: clinical testing. Allele origin: germline.
Comment: This sequence change replaces serine, which is neutral and polar, with arginine, which is basic and polar, at codon 52 of the CDK4 protein (p.Ser52Arg). This variant is not present in population databases (gnomAD no frequency). This variant has not been reported in the literature in individuals affected with CDK4-related conditions. ClinVar contains an entry for this variant (Variation ID: 928861). An algorithm developed to predict the effect of missense changes on protein structure and function (PolyPhen-2) suggests that this variant is likely to be disruptive. In summary, the available evidence is currently insufficient to determine the role of this variant in disease. Therefore, it has been classified as a Variant of Uncertain Significance.

Women's Health and Genetics/Laboratory Corporation of America, LabCorp
Classification: Uncertain significance. Last evaluated: 2019-01-29. Review status: criteria provided, single submitter. Criteria: LabCorp Variant Classification Summary - May 2015. Collection method: clinical testing. Allele origin: germline.
Comment: Variant summary: CDK4 c.156C>G (p.Ser52Arg) results in a non-conservative amino acid change located in the protein kinase domain (IPR000719) of the encoded protein sequence. Four of five in-silico tools predict a damaging effect of the variant on protein function. The variant was absent in 246236 control chromosomes (gnomAD). The available data on variant occurrences in the general population are insufficient to allow any conclusion about variant significance. To our knowledge, no occurrence of c.156C>G in individuals affected with Cutaneous Malignant Melanoma and no experimental evidence demonstrating its impact on protein function have been reported. No clinical diagnostic laboratories have submitted clinical-significance assessments for this variant to ClinVar after 2014. Based on the evidence outlined above, the variant was classified as uncertain significance.